The following is an entry in ClinVar:

NM_201384.3(PLEC):c.6065G>A (p.Arg2022Gln)

Gene: PLEC (plectin; minus strand). Cytogenetic location: 8q24.3.
Variant type: single nucleotide variant.
Coding change: c.6065G>A on transcript NM_201384.3 (MANE Select); coding-DNA position 6065, G replaced by A.
Protein change: p.Arg2022Gln; replaces arginine 2022 with glutamine.
Molecular consequence: missense variant.
Genome position (GRCh38, 1-based): chr8:143,923,864, C>T on the plus strand (G>A on the coding strand, the complement: PLEC is on the minus strand). VCF-style: chr8-143923864-C-T. GRCh37 (hg19) VCF-style: chr8-144998032-C-T.
Other names: c.6146G>A, p.Arg2049Gln (NM_000445.5); c.6023G>A, p.Arg2008Gln (NM_201378.4); c.5999G>A, p.Arg2000Gln (NM_201379.3); c.6476G>A, p.Arg2159Gln (NM_201380.4); c.5969G>A, p.Arg1990Gln (NM_201381.3); c.6065G>A, p.Arg2022Gln (NM_201382.4); c.6077G>A, p.Arg2026Gln (NM_201383.3); c.6146G>A (NM_000445.3); short protein forms R2000Q, R2026Q, R2008Q, R1990Q, R2022Q, R2049Q, R2159Q.
Identifiers: ClinVar variation 471623 (VCV000471623.11), dbSNP rs782332277, ClinGen allele CA4926121.
Genomic context (GRCh38, chr8:143,923,864, plus strand): 5'-GCCTCCTGGGCCAGCTGCAGCTGCCGCGCCGACTCCTGCTCCGCTCGCTCCCGCAGGCGC[C>T]GCGCCTCCTCCACCTTGGCTTTCAGCCGCTCGACTTCCTCCAGCGCCGCCTTCCGCTGCC-3'
Protein context (NP_958786.1, residues 2012-2032): ERLKAKVEEA[Arg2022Gln]RLRERAEQES

ClinVar aggregate classification (germline): Conflicting classifications of pathogenicity. Review status: criteria provided, conflicting classifications (1 of 4 stars). 5 submissions from 5 submitters: Uncertain significance (4); Likely benign (1). Last evaluated 2026-08-31.

Conditions:
PLEC-related disorder. Also called: PLEC-related disorders; PLEC-related condition.
Autosomal recessive limb-girdle muscular dystrophy type 2Q (LGMDR17). Also called: MUSCULAR DYSTROPHY, LIMB-GIRDLE, AUTOSOMAL RECESSIVE 17. Identifiers: Orphanet 254361, MedGen C3150989, MONDO:0013390, OMIM 613723.
Epidermolysis bullosa simplex with nail dystrophy (EBS5D). Identifiers: MedGen C4225309, MONDO:0014661, OMIM 616487.
Epidermolysis bullosa simplex 5C, with pyloric atresia (EBS5C). Also called: PLEC-Related Epidermolysis Bullosa with Pyloric Atresia; Epidermolysis bullosa simplex with pyloric atresia; PLEC1-Related Epidermolysis Bullosa with Pyloric Atresia. Identifiers: Orphanet 158684, MedGen C2677349, MONDO:0012807, OMIM 612138.
Epidermolysis bullosa simplex, Ogna type (EBS5A). Also called: Pidermolysis bullosa simplex 5A, Ogna type; EPIDERMOLYSIS BULLOSA SIMPLEX 5A, OGNA TYPE. Identifiers: Orphanet 79401, MedGen C0432317, MONDO:0007555, OMIM 131950.
Epidermolysis bullosa simplex 5B, with muscular dystrophy (EBS5B). Also called: EPIDERMOLYSIS BULLOSA SIMPLEX AND LIMB-GIRDLE MUSCULAR DYSTROPHY; Epidermolysis bullosa simplex with muscular dystrophy. Identifiers: Orphanet 257, MedGen C2931072, MONDO:0009181, OMIM 226670.
Inborn genetic diseases. Identifiers: MedGen C0950123, MeSH D030342.

Allele frequency attached by ClinVar (database versions not stated): gnomAD 0.00001 and 0.00003; TOPMed 0.00004; gnomAD exomes 0.00005 and 0.00010; ExAC 0.00017; 1000 Genomes Project 30x 0.00031.
gnomAD v4.1: 73 of 1,592,216 alleles (0.0046%); highest among the groups gnomAD compares: South Asian, 0.06%; no homozygotes.

Submissions (5):

PreventionGenetics, part of Exact Sciences
Classification: Uncertain significance for PLEC-related condition. Last evaluated: 2026-08-31. Review status: criteria provided, single submitter. Criteria: ACMG Guidelines, 2015. Collection method: clinical testing. Allele origin: germline.
Comment: The PLEC c.6146G>A variant is predicted to result in the amino acid substitution p.Arg2049Gln. To our knowledge, this variant has not been reported in the literature. This variant is reported in 0.065% of alleles in individuals of South Asian descent in gnomAD. Although we suspect that this variant may be benign, at this time, the clinical significance of this variant is uncertain due to the absence of conclusive functional and genetic evidence.

Labcorp Genetics (formerly Invitae), Labcorp
Classification: Uncertain significance for Autosomal recessive limb-girdle muscular dystrophy type 2Q; Epidermolysis bullosa simplex, Ogna type; Epidermolysis bullosa simplex with nail dystrophy; Epidermolysis bullosa simplex 5C, with pyloric atresia; Epidermolysis bullosa simplex 5B, with muscular dystrophy. Last evaluated: 2026-01-25. Review status: criteria provided, single submitter. Criteria: Invitae Variant Classification Sherloc (09022015). Collection method: clinical testing. Allele origin: germline.
Comment: This sequence change replaces arginine, which is basic and polar, with glutamine, which is neutral and polar, at codon 2049 of the PLEC protein (p.Arg2049Gln). This variant is present in population databases (rs782332277, gnomAD 0.06%). This variant has not been reported in the literature in individuals affected with PLEC-related conditions. ClinVar contains an entry for this variant (Variation ID: 471623). Experimental studies and prediction algorithms are not available or were not evaluated, and the functional significance of this variant is currently unknown. In summary, the available evidence is currently insufficient to determine the role of this variant in disease. Therefore, it has been classified as a Variant of Uncertain Significance.

Revvity Omics, Revvity
Classification: Likely benign. Last evaluated: 2025-01-16. Review status: criteria provided, single submitter. Criteria: ACMG Guidelines, 2015. Collection method: clinical testing. Allele origin: germline.

Ambry Genetics
Classification: Uncertain significance for Inborn genetic diseases. Last evaluated: 2024-09-01. Review status: criteria provided, single submitter. Criteria: Ambry Variant Classification Scheme 2023. Collection method: clinical testing. Allele origin: germline.

Neuberg Centre For Genomic Medicine, NCGM
Classification: Uncertain significance for Epidermolysis bullosa simplex with nail dystrophy. Review status: criteria provided, single submitter. Criteria: ACMG Guidelines, 2015. Collection method: clinical testing. Allele origin: germline. Inheritance: Autosomal recessive inheritance. Affected: yes.